The following is an entry in ClinVar:

ClinVar aggregate classification (germline): Uncertain significance (1 of 4 stars; one submission).

Conditions:
Inborn genetic diseases. Identifiers: MedGen C0950123, MeSH D030342.

gnomAD v4.1: 9 of 1,547,044 alleles (0.00058%); highest among the groups gnomAD compares: South Asian, 0.006%; no homozygotes.

Submission:

Ambry Genetics
Classification: Uncertain significance for Inborn genetic diseases. Last evaluated: 2026-03-10. Review status: criteria provided, single submitter. Criteria: Ambry Variant Classification Scheme 2023. Collection method: clinical testing. Allele origin: germline.
Comment: The c.310C>T (p.H104Y) alteration is located in exon 3 (coding exon 3) of the ATAD3A gene. This alteration results from a C to T substitution at nucleotide position 310, causing the histidine (H) at amino acid position 104 to be replaced by a tyrosine (Y). Based on data from gnomAD, the T allele has an overall frequency of 0.001% (1/154510) total alleles studied. The highest observed frequency was 0.005% (1/22296) of South Asian alleles. Based on insufficient or conflicting evidence, the clinical significance of this alteration remains unclear.

NM_001170535.3(ATAD3A):c.283-117C>T

Gene: ATAD3A (ATPase family AAA domain containing 3A; plus strand). Cytogenetic location: 1p36.33.
Variant type: single nucleotide variant.
Coding change: c.283-117C>T on transcript NM_001170535.3 (MANE Select); 117 bases into the intron before coding-DNA position 283, C replaced by T.
Molecular consequence: intron variant. On other transcripts: missense variant (1).
Genome position (GRCh38, 1-based): chr1:1,517,194, C>T. VCF-style: chr1-1517194-C-T. GRCh37 (hg19) VCF-style: chr1-1452574-C-T.
Other names: c.310C>T, p.His104Tyr (NM_018188.5); c.46-117C>T (NM_001170536.3); short protein forms H104Y.
Identifiers: ClinVar variation 4841030 (VCV004841030.1).